The following is an entry in ClinVar:

NM_000179.3(MSH6):c.1719T>A (p.Phe573Leu)

Gene: MSH6 (mutS homolog 6; plus strand). Cytogenetic location: 2p16.3.
Variant type: single nucleotide variant.
Coding change: c.1719T>A on transcript NM_000179.3 (MANE Select); coding-DNA position 1719, T replaced by A.
Protein change: p.Phe573Leu; replaces phenylalanine 573 with leucine.
Molecular consequence: missense variant.
Genome position (GRCh38, 1-based): chr2:47,799,702, T>A. VCF-style: chr2-47799702-T-A. GRCh37 (hg19) VCF-style: chr2-48026841-T-A.
Other names: c.1719T>A (NM_000179.2); c.1329T>A, p.Phe443Leu (NM_001281492.2); c.813T>A, p.Phe271Leu (NM_001281493.2, NM_001281494.2); short protein forms F271L, F573L, F443L.
Identifiers: ClinVar variation 1432785 (VCV001432785.12), dbSNP rs2104363146, ClinGen allele CA346748664.

ClinVar aggregate classification (germline): Uncertain significance. Review status: criteria provided, multiple submitters, no conflicts (2 of 4 stars). 2 submissions from 2 submitters: Uncertain significance (2). Last evaluated 2023-05-12.

Conditions:
Hereditary nonpolyposis colorectal neoplasms. Identifiers: MedGen C0009405, MeSH D003123.
Hereditary cancer-predisposing syndrome. Also called: Hereditary Cancer Syndrome; Hereditary neoplastic syndrome; Neoplastic Syndromes, Hereditary; Tumor predisposition. Identifiers: Orphanet 140162, MedGen C0027672, MeSH D009386, MONDO:0015356.

Submissions (2):

Labcorp Genetics (formerly Invitae), Labcorp
Classification: Uncertain significance for Hereditary nonpolyposis colorectal neoplasms. Last evaluated: 2023-05-12. Review status: criteria provided, single submitter. Criteria: Invitae Variant Classification Sherloc (09022015). Collection method: clinical testing. Allele origin: germline.
Comment: In summary, the available evidence is currently insufficient to determine the role of this variant in disease. Therefore, it has been classified as a Variant of Uncertain Significance. Advanced modeling of protein sequence and biophysical properties (such as structural, functional, and spatial information, amino acid conservation, physicochemical variation, residue mobility, and thermodynamic stability) has been performed at Invitae for this missense variant, however the output from this modeling did not meet the statistical confidence thresholds required to predict the impact of this variant on MSH6 protein function. ClinVar contains an entry for this variant (Variation ID: 1432785). This variant has not been reported in the literature in individuals affected with MSH6-related conditions. This variant is not present in population databases (gnomAD no frequency). This sequence change replaces phenylalanine, which is neutral and non-polar, with leucine, which is neutral and non-polar, at codon 573 of the MSH6 protein (p.Phe573Leu).

Ambry Genetics
Classification: Uncertain significance for Hereditary cancer-predisposing syndrome. Last evaluated: 2023-04-21. Review status: criteria provided, single submitter. Criteria: Ambry Variant Classification Scheme 2023. Collection method: clinical testing. Allele origin: germline.
Comment: The p.F573L variant (also known as c.1719T>A), located in coding exon 4 of the MSH6 gene, results from a T to A substitution at nucleotide position 1719. The phenylalanine at codon 573 is replaced by leucine, an amino acid with highly similar properties. This amino acid position is highly conserved in available vertebrate species. In addition, this alteration is predicted to be deleterious by in silico analysis. Since supporting evidence is limited at this time, the clinical significance of this alteration remains unclear.